The following is an entry in ClinVar:

NM_000059.4(BRCA2):c.9292T>C (p.Tyr3098His)

Gene: BRCA2 (BRCA2 DNA repair associated; plus strand). Cytogenetic location: 13q13.1.
Variant type: single nucleotide variant.
Coding change: c.9292T>C on transcript NM_000059.4 (MANE Select); coding-DNA position 9292, T replaced by C.
Protein change: p.Tyr3098His; replaces tyrosine 3098 with histidine.
Molecular consequence: missense variant.
Genome position (GRCh38, 1-based): chr13:32,394,724, T>C. VCF-style: chr13-32394724-T-C. GRCh37 (hg19) VCF-style: chr13-32968861-T-C.
Other names: p.Y3098H:TAC>CAC; 9520T>C; short protein forms Y3098H.
Identifiers: ClinVar variation 38227 (VCV000038227.67), dbSNP rs41293521, ClinGen allele CA026092.

ClinVar aggregate classification (germline): Benign. Review status: reviewed by expert panel (3 of 4 stars). 29 submissions from 29 submitters: Benign (1). 28 of the submissions do not count toward it. Last evaluated 2015-08-10.

Conditions:
BRCA2-related cancer predisposition. Identifiers: MedGen CN377758, MONDO:0700269.
Inherited breast cancer and ovarian cancer.
Breast and/or ovarian cancer. Identifiers: MedGen CN221562.
Hereditary cancer-predisposing syndrome. Also called: Neoplastic Syndromes, Hereditary; Tumor predisposition; Hereditary Cancer Syndrome; Hereditary neoplastic syndrome. Identifiers: Orphanet 140162, MedGen C0027672, MeSH D009386, MONDO:0015356.
Hereditary breast ovarian cancer syndrome. Also called: Hereditary breast and ovarian cancer; Breast and ovarian cancer; Hereditary breast and/or ovarian cancer syndrome; Hereditary breast and ovarian cancer syndrome (HBOC); Hereditary breast and ovarian cancer syndrome; BRCA1- and BRCA2-Associated Hereditary Breast and Ovarian Cancer. Identifiers: Orphanet 145, MedGen C0677776, MeSH D061325, MONDO:0003582. Disease mechanism: loss of function.
Breast-ovarian cancer, familial, susceptibility to, 2 (BROVCA2). Also called: BRCA2 Hereditary Breast and Ovarian Cancer. Identifiers: Orphanet 145, MedGen C2675520, MONDO:0012933, OMIM 612555. Disease mechanism: loss of function.
Malignant tumor of breast. Also called: Malignant breast neoplasm; Cancer breast. Identifiers: MedGen C0006142, MONDO:0007254. Disease mechanism: loss of function.

Allele frequency attached by ClinVar (database versions not stated): gnomAD exomes 0.00022 and 0.00029; gnomAD 0.00024 and 0.00026; ExAC 0.00026; 1000 Genomes Project 30x 0.00031; 1000 Genomes Project 0.00040; TOPMed 0.00045.
gnomAD v4.1: 363 of 1,613,898 alleles (0.022%); highest among the groups gnomAD compares: Admixed American, 0.1%; no homozygotes.

Submissions 1 to 20 of 29:

Evidence-based Network for the Interpretation of Germline Mutant Alleles (ENIGMA)
Classification: Benign for Breast-ovarian cancer, familial 2. Last evaluated: 2015-08-10. Review status: reviewed by expert panel. Criteria: ENIGMA BRCA1/2 Classification Criteria (2015). Collection method: curation. Allele origin: germline.
Comment: IARC class based on posterior probability from multifactorial likelihood analysis, thresholds for class as per Plon et al. 2008 (PMID: 18951446). Class 1 based on posterior probability = 0.00000349

Cambridge Genomics Laboratory, East Genomic Laboratory Hub, NHS Genomic Medicine Service
Classification: Benign for Inherited breast cancer and ovarian cancer. Last evaluated: 2026-06-24. Review status: criteria provided, single submitter. Criteria: ACGS Best Practice Guidelines for Variant Classification in Rare Disease 2020. Collection method: clinical testing. Allele origin: germline. Affected: yes. Not counted in ClinVar's aggregate classification.
Comment: BS3_Strong,BS1_Strong,BP5_Very Strong

CeGaT Center for Human Genetics Tuebingen
Classification: Benign. Last evaluated: 2026-03-01. Review status: criteria provided, single submitter. Criteria: CeGaT Center For Human Genetics Tuebingen Variant Classification Criteria Version 2. Collection method: clinical testing. Allele origin: germline. Affected: yes. Observed: 2 variant alleles. Not counted in ClinVar's aggregate classification.
Comment: BRCA2: BP4, BS1, BS3

Labcorp Genetics (formerly Invitae), Labcorp
Classification: Benign for Hereditary breast ovarian cancer syndrome. Last evaluated: 2026-02-04. Review status: criteria provided, single submitter. Criteria: Invitae Variant Classification Sherloc (09022015). Collection method: clinical testing. Allele origin: germline. Not counted in ClinVar's aggregate classification.

Dasa
Classification: Likely benign for Breast-ovarian cancer, familial, susceptibility to, 2. Last evaluated: 2026-01-11. Review status: criteria provided, single submitter. Criteria: DASA Assertion Criteria. Collection method: clinical testing. Allele origin: germline. Not counted in ClinVar's aggregate classification.
Comment: NM_000059.4(BRCA2):c.9292T>C (p.Tyr3098His) is interpreted based on available population and clinical evidence, including population frequency and no convincing observation in affected individuals. Based on the available data, this variant is classified as likely benign.

ARUP Laboratories, Molecular Genetics and Genomics, ARUP Laboratories
Classification: Likely benign. Last evaluated: 2025-04-08. Review status: criteria provided, single submitter. Criteria: ARUP Molecular Germline Variant Investigation Process 2024. Collection method: clinical testing. Allele origin: germline. Not counted in ClinVar's aggregate classification.

Center for Genomic Medicine, Rigshospitalet, Copenhagen University Hospital
Classification: Benign. Last evaluated: 2025-03-04. Review status: criteria provided, single submitter. Criteria: ACMG Guidelines, 2015. Collection method: clinical testing. Allele origin: germline. Not counted in ClinVar's aggregate classification.

Blueprint Genetics
Classification: Likely benign. Last evaluated: 2024-11-06. Review status: criteria provided, single submitter. Criteria: ACMG Guidelines, 2015. Collection method: clinical testing. Allele origin: germline. Not counted in ClinVar's aggregate classification.

All of Us Research Program, National Institutes of Health
Classification: Likely benign for BRCA2-related cancer predisposition. Last evaluated: 2024-09-23. Review status: criteria provided, single submitter. Criteria: ACMG Guidelines, 2015. Collection method: clinical testing. Allele origin: germline. Inheritance: Autosomal dominant inheritance. Observed: 95 variant alleles, 95 heterozygotes. Not counted in ClinVar's aggregate classification.
Comment: This study involves interpretation of variants in research participants for the purpose of population health screening. Participant phenotype was not available at the time of variant classification. Additional details can be found in publication PMID: 35346344, PMCID: PMC8962531

Mayo Clinic Laboratories, Mayo Clinic
Classification: Benign. Last evaluated: 2023-11-22. Review status: criteria provided, single submitter. Criteria: ACMG Guidelines, 2015. Collection method: clinical testing. Allele origin: germline. Observed: 4 variant alleles. Not counted in ClinVar's aggregate classification.
Comment: BS1, BS3

CHEO Genetics Diagnostic Laboratory, Children's Hospital of Eastern Ontario
Classification: Likely benign for Breast and/or ovarian cancer. Last evaluated: 2023-04-13. Review status: criteria provided, single submitter. Criteria: ACMG Guidelines, 2015. Collection method: clinical testing. Allele origin: germline. Study: Canadian Open Genetics Repository. Not counted in ClinVar's aggregate classification.

Genetic Services Laboratory, University of Chicago
Classification: Likely benign. Last evaluated: 2021-12-07. Review status: criteria provided, single submitter. Criteria: ACMG Guidelines, 2015. Collection method: clinical testing. Allele origin: germline. Affected: no. Not counted in ClinVar's aggregate classification.

Sema4
Classification: Likely benign for Hereditary cancer-predisposing syndrome. Last evaluated: 2020-11-29. Review status: criteria provided, single submitter. Criteria: Sema4 Curation Guidelines. Collection method: curation. Allele origin: germline. Not counted in ClinVar's aggregate classification.

Mendelics
Classification: Likely benign for Breast-ovarian cancer, familial, susceptibility to, 2. Last evaluated: 2019-05-28. Review status: criteria provided, single submitter. Criteria: Mendelics Assertion Criteria 2017. Collection method: clinical testing. Allele origin: unknown. Not counted in ClinVar's aggregate classification.

GeneDx
Classification: Likely benign. Last evaluated: 2018-01-10. Review status: criteria provided, single submitter. Criteria: GeneDx Variant Classification (06012015). Collection method: clinical testing. Allele origin: germline. Affected: yes. Not counted in ClinVar's aggregate classification.
Comment: This variant is considered likely benign or benign based on one or more of the following criteria: it is a conservative change, it occurs at a poorly conserved position in the protein, it is predicted to be benign by multiple in silico algorithms, and/or has population frequency not consistent with disease.

Laboratory for Molecular Medicine, Mass General Brigham Personalized Medicine
Classification: Uncertain significance. Last evaluated: 2016-03-28. Review status: criteria provided, single submitter. Criteria: LMM Criteria. Collection method: clinical testing. Allele origin: germline. Not counted in ClinVar's aggregate classification.
Comment: Variant identified in a genome or exome case(s) and assessed due to predicted null impact of the variant or pathogenic assertions in the literature or databases. Disclaimer: This variant has not undergone full assessment. The following are preliminary notes: Has been reported in 2 families with female breast and ovarian cancer (Serova-Sinilnikova 1997). Has been classified as benign by Akbari 2011 (based on Myriad classification criteria), Bodian 2011 (presence in controls), Guidugli 2014 (functional assay), Lindor 2012 (posterior probability model OR). No functional impact in DNA break repair assay (Guidugli 2013). B/LB by SCRP, GeneDx, Ambry, Counsyl, Invitae; VUS by BIC in ClinVar.

Clinical Genetics DNA and cytogenetics Diagnostics Lab, Erasmus MC, Erasmus Medical Center
Classification: Benign for Breast-ovarian cancer, familial, susceptibility to, 2. Last evaluated: 2015-09-21. Review status: criteria provided, single submitter. Criteria: ACGS Guidelines, 2013. Collection method: clinical testing. Allele origin: germline. Affected: yes. Study: VKGL Data-share Consensus. Not counted in ClinVar's aggregate classification.

Genome Diagnostics Laboratory, University Medical Center Utrecht
Classification: Likely benign for Breast-ovarian cancer, familial, susceptibility to, 2. Last evaluated: 2015-08-24. Review status: criteria provided, single submitter. Criteria: ACGS Guidelines, 2013. Collection method: clinical testing. Allele origin: germline. Affected: yes. Study: VKGL Data-share Consensus. Not counted in ClinVar's aggregate classification.

Fulgent Genetics
Classification: Uncertain significance for Breast-ovarian cancer, familial, susceptibility to, 2. Last evaluated: 2015-08-07. Review status: criteria provided, single submitter. Criteria: ACMG Guidelines, 2015. Collection method: clinical testing. Allele origin: unknown. Not counted in ClinVar's aggregate classification.

Color Diagnostics, LLC DBA Color Health
Classification: Likely benign for Hereditary cancer-predisposing syndrome. Last evaluated: 2015-03-11. Review status: criteria provided, single submitter. Criteria: ACMG Guidelines, 2015. Collection method: clinical testing. Allele origin: germline. Not counted in ClinVar's aggregate classification.